The following is an entry in ClinVar:

NM_000152.5(GAA):c.2235dup (p.Trp746fs)

Gene: GAA (alpha glucosidase; plus strand). Cytogenetic location: 17q25.3.
Variant type: Duplication.
Coding change: c.2235dup on transcript NM_000152.5 (MANE Select); coding-DNA position 2235, one base duplicated (G; older notation c.2235dupG).
Protein change: p.Trp746fs; shifts the reading frame from tryptophan 746.
Molecular consequence: frameshift variant.
Genome position (GRCh38, 1-based): chr17:80,117,013, G duplicated. VCF-style (leftmost placement, unchanged base first): chr17-80117012-T-TG. GRCh37 (hg19) VCF-style: chr17-78090811-T-TG.
Other names: c.2235dup, p.Trp746fs (NM_001079803.3, NM_001079804.3, NM_001406741.1 and 1 more transcripts); short protein forms W746fs.
Identifiers: ClinVar variation 4876319 (VCV004876319.1).

ClinVar aggregate classification (germline): Pathogenic (1 of 4 stars; one submission).

Conditions:
Glycogen storage disease, type II (IOPD). Also called: Pompe Disease; CARDIOMEGALIA GLYCOGENICA DIFFUSA; GLYCOGENOSIS, GENERALIZED, CARDIAC FORM; GSD II; POMPE DISEASE, INFANTILE-ONSET; GLYCOGEN STORAGE DISEASE II, INFANTILE-ONSET. Identifiers: Orphanet 365, MedGen C0017921, MONDO:0009290, OMIM 232300.

Submission:

Genomenon, Inc
Classification: Pathogenic for Glycogen storage disease, type II. Last evaluated: 2026-07-01. Review status: criteria provided, single submitter. Criteria: Genomenon Sequence Variant Interpretation Standards - Updated. Collection method: curation. Allele origin: germline. Affected: no.
Comment: GAA p.Trp746ValfsTer50 (c.2235dup) is a frameshift variant that is predicted to introduce a premature termination codon and result in a truncated or absent protein product. This variant has been reported in the compound heterozygous and/or homozygous state in at least one individual without a confirmed diagnosis of Pompe disease (PMID:29451150). It is absent or not present at a significant frequency in gnomAD. In conclusion, we classify GAA p.Trp746ValfsTer50 (c.2235dup) as a pathogenic variant.

Literature cited by the submitters: PubMed 29451150.